The following is an entry in ClinVar:

ClinVar aggregate classification (germline): Uncertain significance (1 of 4 stars; one submission).

Conditions:
Hereditary cancer-predisposing syndrome. Also called: Hereditary Cancer Syndrome; Neoplastic Syndromes, Hereditary; Tumor predisposition; Hereditary neoplastic syndrome. Identifiers: Orphanet 140162, MedGen C0027672, MeSH D009386, MONDO:0015356.

gnomAD v4.1: 1 of 1,498,648 alleles (0.000067%); highest among the groups gnomAD compares: Non-Finnish European, 0.000089%; no homozygotes.

Submission:

Ambry Genetics
Classification: Uncertain significance for Hereditary cancer-predisposing syndrome. Last evaluated: 2026-08-20. Review status: criteria provided, single submitter. Criteria: Ambry Variant Classification Scheme 2023. Collection method: clinical testing. Allele origin: germline.
Comment: The c.-2C>T variant is located in the 5' untranslated region (5&rsquo; UTR) of the EGFR gene. This variant results from a C to T substitution 2 bases upstream from the first translated codon. This nucleotide position is well conserved in available vertebrate species. Based on the available evidence, the clinical significance of this variant remains unclear.

NM_005228.5(EGFR):c.-2C>T

Gene: EGFR (epidermal growth factor receptor; plus strand). Cytogenetic location: 7p11.2.
Variant type: single nucleotide variant.
Coding change: c.-2C>T on transcript NM_005228.5 (MANE Select); 2 bases upstream of the start codon, C replaced by T.
Molecular consequence: 5 prime UTR variant.
Genome position (GRCh38, 1-based): chr7:55,019,276, C>T. VCF-style: chr7-55019276-C-T. GRCh37 (hg19) VCF-style: chr7-55086969-C-T.
Other names: c.-2C>T (NM_001346897.2, NM_001346898.2, NM_001346899.2 and 4 more transcripts).
Identifiers: ClinVar variation 5035826 (VCV005035826.1).